The following is an entry in ClinVar:

NM_004826.4(ECEL1):c.1531G>A (p.Gly511Ser)

Gene: ECEL1 (endothelin converting enzyme like 1; minus strand). Cytogenetic location: 2q37.1.
Variant type: single nucleotide variant.
Coding change: c.1531G>A on transcript NM_004826.4 (MANE Select); coding-DNA position 1531, G replaced by A.
Protein change: p.Gly511Ser; replaces glycine 511 with serine.
Molecular consequence: missense variant.
Genome position (GRCh38, 1-based): chr2:232,483,155, C>T on the plus strand (G>A on the coding strand, the complement: ECEL1 is on the minus strand). VCF-style: chr2-232483155-C-T. GRCh37 (hg19) VCF-style: chr2-233347865-C-T.
Other names: c.1531G>A, p.Gly511Ser (NM_001290787.2); c.1531G>A (NM_004826.2); short protein forms G511S.
Identifiers: ClinVar variation 1806076 (VCV001806076.5), dbSNP rs1174232828, ClinGen allele CA350999067.

ClinVar aggregate classification (germline): Likely pathogenic. Review status: criteria provided, multiple submitters, no conflicts (2 of 4 stars). 3 submissions from 3 submitters: Likely pathogenic (3). Last evaluated 2024-08-30.

Conditions:
Distal arthrogryposis type 5D (DA5D). Identifiers: Orphanet 329457, MedGen C3554415, MONDO:0014028, OMIM 615065.

Allele frequency attached by ClinVar (database versions not stated): gnomAD exomes 0.00001; TOPMed 0.00001.
gnomAD v4.1: 20 of 1,607,680 alleles (0.0012%); highest among the groups gnomAD compares: East Asian, 0.0022%; no homozygotes.

Submissions (3):

GeneDx
Classification: Likely pathogenic. Last evaluated: 2024-08-30. Review status: criteria provided, single submitter. Criteria: GeneDx Variant Classification Process June 2021. Collection method: clinical testing. Allele origin: germline. Affected: yes.
Comment: Not observed at significant frequency in large population cohorts (gnomAD); In silico analysis supports that this missense variant has a deleterious effect on protein structure/function; This variant is associated with the following publications: (PMID: 25708584, 33672664, 33491998, 26578207, 24782201, 33820833)

Institute of Human Genetics, University of Leipzig Medical Center
Classification: Likely pathogenic for Distal arthrogryposis type 5D. Last evaluated: 2023-03-09. Review status: criteria provided, single submitter. Criteria: ACMG Guidelines, 2015. Collection method: clinical testing. Allele origin: maternal. Inheritance: Autosomal recessive inheritance. Affected: yes.
Comment: Criteria applied: PM3_STR,PM2_SUP,PP3

Victorian Clinical Genetics Services, Murdoch Childrens Research Institute
Classification: Likely pathogenic for Distal arthrogryposis type 5D. Last evaluated: 2020-05-26. Review status: criteria provided, single submitter. Criteria: ACMG Guidelines, 2015. Collection method: clinical testing. Allele origin: germline. Inheritance: Autosomal recessive inheritance. Affected: yes.
Comment: Based on the classification scheme VCGS_Germline_v1.1.1, this variant is classified as likely pathogenic. Following criteria are met: 0102 - Loss-of-function is a known mechanism of disease for this gene. (N) 0106 - This gene is known to be associated with autosomal recessive disease. (N) 0200 - Variant is predicted to result in a missense amino acid change from glycine to serine (exon 9). (N) 0251 - Variant is heterozygous. (N) 0304 - Variant is present in gnomAD <0.01 for a recessive condition (1 heterozygote, 0 homozygotes). (P) 0501 - Missense variant consistently predicted to be damaging by multiple in silico tools or highly conserved with a major amino acid change. (P) 0600 - Variant is located in an annotated domain or motif (PDB, NCBI). (N) 0705 - No comparable variants have previous evidence for pathogenicity. (N) 0803 - Low previous evidence of pathogenicity in a single family with distal arthrogryposis (PMID:24782201, LOVD). (P) 0903 - Low evidence for segregation with disease in a single family (PMID:24782201). (P) 1007 - No published functional evidence has been identified for this variant. (N) 1201 - Heterozygous variant detected in trans with a second (at least likely) pathogenic heterozygous variant in a recessive disease. (N) Legend: (P) - Pathogenic, (N) - Neutral, (B) - Benign

Literature cited by the submitters: PubMed 24782201 (cited by Victorian Clinical Genetics Services, Murdoch Childrens Research Institute).